The following is an entry in ClinVar:

NM_001887.4(CRYBB1):c.155C>A (p.Ala52Glu)

Genes: CRYBA4 (crystallin beta A4; plus strand), CRYBB1 (crystallin beta B1; minus strand). Cytogenetic location: 22q12.1.
Variant type: single nucleotide variant.
Coding change: c.155C>A on transcript NM_001887.4 (MANE Select); coding-DNA position 155, C replaced by A.
Protein change: p.Ala52Glu; replaces alanine 52 with glutamic acid.
Molecular consequence: missense variant.
Genome position (GRCh38, 1-based): chr22:26,616,165, G>T on the plus strand (C>A on the coding strand, the complement: CRYBB1 is on the minus strand). VCF-style: chr22-26616165-G-T. GRCh37 (hg19) VCF-style: chr22-27012129-G-T.
Other names: short protein forms A52E.
Identifiers: ClinVar variation 1301630 (VCV001301630.8), dbSNP rs533765538, ClinGen allele CA10165574.

ClinVar aggregate classification (germline): Likely benign. Review status: criteria provided, multiple submitters, no conflicts (2 of 4 stars). 3 submissions from 3 submitters: Likely benign (3). Last evaluated 2025-02-15.

Conditions:
Cataract 17 multiple types. Also called: CATARACT 17, PULVERULENT; CATARACT 17, CONGENITAL NUCLEAR, AUTOSOMAL RECESSIVE. Identifiers: Orphanet 91492, MedGen C3888124, MONDO:0012688, OMIM 611544.
CRYBB1-related disorder. Also called: CRYBB1-related condition.

Allele frequency attached by ClinVar (database versions not stated): 1000 Genomes Project 30x 0.00062; 1000 Genomes Project 0.00080.
gnomAD v4.1: 378 of 1,614,172 alleles (0.023%); highest among the groups gnomAD compares: South Asian, 0.39%; 2 homozygotes.

Submissions (3):

PreventionGenetics, part of Exact Sciences
Classification: Likely benign for CRYBB1-related condition. Last evaluated: 2025-02-15. Review status: criteria provided, single submitter. Criteria: ACMG Guidelines, 2015. Collection method: clinical testing. Allele origin: germline.
Comment: This variant is classified as likely benign based on ACMG/AMP sequence variant interpretation guidelines (Richards et al. 2015 PMID: 25741868, with internal and published modifications).

Labcorp Genetics (formerly Invitae), Labcorp
Classification: Likely benign for Cataract 17 multiple types. Last evaluated: 2023-11-28. Review status: criteria provided, single submitter. Criteria: Invitae Variant Classification Sherloc (09022015). Collection method: clinical testing. Allele origin: germline.

Dubai Health Genomic Medicine Center, Dubai Health
Classification: Likely benign for Cataract 17 multiple types. Last evaluated: 2020-03-19. Review status: criteria provided, single submitter. Criteria: ACMG Guidelines, 2015. Collection method: clinical testing. Allele origin: germline. Affected: yes.